The following is an entry in ClinVar:

NM_000552.5(VWF):c.3868G>A (p.Glu1290Lys)

Gene: VWF (von Willebrand factor; minus strand). Cytogenetic location: 12p13.31.
Variant type: single nucleotide variant.
Coding change: c.3868G>A on transcript NM_000552.5 (MANE Select); coding-DNA position 3868, G replaced by A.
Protein change: p.Glu1290Lys; replaces glutamic acid 1290 with lysine.
Molecular consequence: missense variant.
Genome position (GRCh38, 1-based): chr12:6,019,550, C>T on the plus strand (G>A on the coding strand, the complement: VWF is on the minus strand). VCF-style: chr12-6019550-C-T. GRCh37 (hg19) VCF-style: chr12-6128716-C-T.
Other names: NM_000552.5(VWF):c.3868G>A; short protein forms E1290K.
Identifiers: ClinVar variation 439333 (VCV000439333.13), dbSNP rs138900040, ClinGen allele CA6402656.
Genomic context (GRCh38, chr12:6,019,550, plus strand): 5'-AGATGCGCAGCCGCTCCATCATGTCCACCACAAAGGCCTTCAGCACTTCAAACTCAGCCT[C>T]GGACAGCCTGGAGGAGCCATCCAGCAGGAAGACCAGGTCCAGTAGCCTGCTGCAGTAGAA-3'
Protein context (NP_000543.3, residues 1280-1300): FLLDGSSRLS[Glu1290Lys]AEFEVLKAFV

ClinVar aggregate classification (germline): Uncertain significance. Review status: reviewed by expert panel (3 of 4 stars). 5 submissions from 5 submitters: Uncertain significance (1). 4 of the submissions do not count toward it. Last evaluated 2026-03-03.

Conditions:
von Willebrand disease type 2 (VWD2). Also called: VON WILLEBRAND DISEASE, TYPE 2A/IIE; VON WILLEBRAND DISEASE, TYPE 2CB; VWD, TYPE 2; VON WILLEBRAND DISEASE, TYPE II. Identifiers: Orphanet 166081, Orphanet 903, MedGen C1264040, MONDO:0013304, OMIM 613554.

Allele frequency attached by ClinVar (database versions not stated): gnomAD exomes 0.00021 and 0.00007; ExAC 0.00026; gnomAD 0.00059 and 0.00061; TOPMed 0.00072; 1000 Genomes Project 30x 0.00156; ESP Exome Variant Server 0.00100; 1000 Genomes Project 0.00140.
gnomAD v4.1: 184 of 1,613,982 alleles (0.011%); highest among the groups gnomAD compares: African/African-American, 0.22%; no homozygotes.

Submissions (5):

ClinGen von Willebrand Disease Variant Curation Expert Panel, ClinGen
Classification: Uncertain significance for von Willebrand disease type 2. Last evaluated: 2026-03-03. Review status: reviewed by expert panel. Criteria: ClinGen VWD 2A B M Rules. Collection method: curation. Allele origin: germline.
Comment: The NM_000552.5:c.3868G>A variant in VWF is a missense variant predicted to cause substitution of glutamic acid by lysine at amino acid 1290 (p.Glu1290Lys). The Grpmax filtering allele frequency in gnomAD v4.1 is 0.001962 (based on 168/75030 alleles in the African/African American population). This intermediate allele frequency is lower than the ClinGen VWD VCEP threshold (>0.01) for BS1 but higher than the threshold (<0.005 for type 2N and <0.0001 for type 2A/B/M) for PM2_Supporting. The computational predictor REVEL gives a score of 0.677, which is above the ClinGen VWD VCEP threshold of >0.644 and predicts a damaging effect on VWF function (PP3). This variant has been described in computational and statistical modeling studies (PMIDs: 26827609, 26420797, 32958805), and in a large study cohort examining variants in the VWF gene (PMID: 23690449), however, to date, no phenotype information has been provided for individuals with this variant. In summary, this variant is classified as uncertain significance for type 2 von Willebrand disease based on the ACMG/AMP criteria applied, as specified by the ClinGen VWD VCEP: PP3 (Version 1.0.0, 7/9/2024).

Women's Health and Genetics/Laboratory Corporation of America, LabCorp
Classification: Uncertain significance. Last evaluated: 2025-12-22. Review status: criteria provided, single submitter. Criteria: LabCorp Variant Classification Summary - May 2015. Collection method: clinical testing. Allele origin: germline. Not counted in ClinVar's aggregate classification.
Comment: Variant summary: VWF c.3868G>A (p.Glu1290Lys) results in a conservative amino acid change in the encoded protein sequence. Algorithms developed to predict the effect of missense changes on protein structure and function are either unavailable or do not agree on the potential impact of this missense change. The variant allele was found at a frequency of 0.00021 in 251084 control chromosomes. This frequency is not significantly higher than estimated for disease-causing variants in VWF, allowing no conclusion about variant significance. To our knowledge, no occurrence of c.3868G>A in individuals affected with VWF-related conditions and no experimental evidence demonstrating its impact on protein function have been reported. ClinVar contains an entry for this variant (Variation ID: 439333). Based on the evidence outlined above, the variant was classified as uncertain significance.

ARUP Laboratories, Molecular Genetics and Genomics, ARUP Laboratories
Classification: Uncertain significance. Last evaluated: 2019-05-07. Review status: criteria provided, single submitter. Criteria: ARUP Molecular Germline Variant Investigation Process. Collection method: clinical testing. Allele origin: germline. Not counted in ClinVar's aggregate classification.
Comment: The VWF c.3868G>A; p.Glu1290Lys variant (rs138900040), to our knowledge, is not reported in the medical literature or gene-specific databases in association with von Willebrand disease. This variant is found in the African population with an overall allele frequency of 0.25% (63/24954 alleles) in the Genome Aggregation Database. The glutamate at codon 1290 is highly conserved, and computational analyses (SIFT, PolyPhen-2) predict that this variant is deleterious, although a modeling study incorporating population data and VWF levels suggested the p.Glu1290Lys variant had a low probability of being disease-causing (Cheng 2016). However, given the lack of clinical and functional data, the significance of the p.Glu1290Lys variant is uncertain at this time. References: Cheng Y et al. Group association test using a hidden Markov model. Biostatistics. 2016 Apr;17(2):221-34.

Quest Diagnostics Nichols Institute San Juan Capistrano
Classification: Uncertain significance. Last evaluated: 2016-09-15. Review status: criteria provided, single submitter. Criteria: Quest Diagnostics criteria. Collection method: clinical testing. Allele origin: germline. Not counted in ClinVar's aggregate classification.

Department of Pathology and Laboratory Medicine, Sinai Health System
Classification: Uncertain significance. Review status: no assertion criteria provided. Collection method: clinical testing. Allele origin: unknown. Affected: yes. Study: The Canadian Open Genetics Repository (COGR). Not counted in ClinVar's aggregate classification.
Comment: The VWF p.Glu1290Lys variant was not identified in the literature nor was it identified in Cosmic or LOVD 3.0. The variant was identified in dbSNP (ID: rs138900040) and in ClinVar (classified as a VUS by Quest Diagnostics Nichols Institute San Juan Capistrano). The variant was also identified in control databases in 71 of 282484 chromosomes at a frequency of 0.000251 (Genome Aggregation Database Feb 27, 2017) and was observed in the following populations: African in 63 of 24954 chromosomes (freq: 0.002525), Latino in 5 of 35440 chromosomes (freq: 0.000141), South Asian in 2 of 30616 chromosomes (freq: 0.000065) and European (non-Finnish) in 1 of 128814 chromosomes (freq: 0.000008), while the variant was not observed in the Ashkenazi Jewish, East Asian, European (Finnish), and Other populations. The variant occurs outside of the splicing consensus sequence and in silico or computational prediction software programs (SpliceSiteFinder, MaxEntScan, NNSPLICE, GeneSplicer) do not predict a difference in splicing. The p.Glu1290 residue is conserved in mammals and computational analyses (PolyPhen-2, SIFT, AlignGVGD, BLOSUM, MutationTaster) provide inconsistent predictions regarding the impact to the protein; this information is not very predictive of pathogenicity. In summary, based on the above information the clinical significance of this variant cannot be determined with certainty at this time. This variant is classified as a variant of uncertain significance.

Literature cited by the submitters: PubMed 26827609 (cited by Women's Health and Genetics/Laboratory Corporation of America, LabCorp and Quest Diagnostics Nichols Institute San Juan Capistrano); PubMed 26420797 (cited by Women's Health and Genetics/Laboratory Corporation of America, LabCorp and Quest Diagnostics Nichols Institute San Juan Capistrano).